The following is an entry in ClinVar:

NM_007192.4(SUPT16H):c.173G>A (p.Gly58Asp)

Gene: SUPT16H (SPT16 homolog, facilitates chromatin remodeling subunit; minus strand). Cytogenetic location: 14q11.2.
Variant type: single nucleotide variant.
Coding change: c.173G>A on transcript NM_007192.4 (MANE Select); coding-DNA position 173, G replaced by A.
Protein change: p.Gly58Asp; replaces glycine 58 with aspartic acid.
Molecular consequence: missense variant.
Genome position (GRCh38, 1-based): chr14:21,372,031, C>T on the plus strand (G>A on the coding strand, the complement: SUPT16H is on the minus strand). VCF-style: chr14-21372031-C-T. GRCh37 (hg19) VCF-style: chr14-21840190-C-T.
Other names: short protein forms G58D.
Identifiers: ClinVar variation 5019777 (VCV005019777.1).

ClinVar aggregate classification (germline): Uncertain significance (1 of 4 stars; one submission).

Conditions:
Neurodevelopmental disorder with dysmorphic facies and thin corpus callosum. Identifiers: MedGen C5551361, MONDO:0859179, OMIM 619480.

Submission:

Juno Genomics, Hangzhou Juno Genomics, Inc
Classification: Uncertain significance for Neurodevelopmental disorder with dysmorphic facies and thin corpus callosum. Review status: criteria provided, single submitter. Criteria: ACMG Guidelines, 2015. Collection method: clinical testing. Allele origin: germline. Affected: yes.
Comment: Absent from controls (or at extremely low frequency if recessive) in Genome Aggregation Database.;Multiple lines of computational evidence support a deleterious effect on the gene or gene product.;Missense variant in a gene that has a low rate of benign missense variation.